The following is an entry in ClinVar:

ClinVar aggregate classification (germline): Likely benign. Review status: criteria provided, multiple submitters, no conflicts (2 of 4 stars). 4 submissions from 4 submitters: Likely benign (4). Last evaluated 2025-03-20.

Conditions:
Cardiomyopathy (CMYO). Also called: Cardiomyopathies. Identifiers: Orphanet 167848, MedGen C0878544, MONDO:0004994, HP:0001638. Inheritance: Various modes of inheritance.
Hypertrophic cardiomyopathy. Also called: HYPERTROPHIC MYOCARDIOPATHY. Identifiers: Orphanet 217569, MedGen C0007194, MeSH D002312, MONDO:0005045, HP:0001639.
Cardiovascular phenotype. Identifiers: MedGen CN230736.

Allele frequency attached by ClinVar (database versions not stated): gnomAD exomes 0.00001 and below 0.00001; ExAC 0.00002; TOPMed 0.00002.
gnomAD v4.1: 3 of 1,614,182 alleles (0.00019%); highest among the groups gnomAD compares: Admixed American, 0.0033%; no homozygotes.

Submissions (4):

Labcorp Genetics (formerly Invitae), Labcorp
Classification: Likely benign for Hypertrophic cardiomyopathy. Last evaluated: 2025-03-20. Review status: criteria provided, single submitter. Criteria: Invitae Variant Classification Sherloc (09022015). Collection method: clinical testing. Allele origin: germline.

All of Us Research Program, National Institutes of Health
Classification: Likely benign for Cardiomyopathy. Last evaluated: 2024-07-20. Review status: criteria provided, single submitter. Criteria: ACMG Guidelines, 2015. Collection method: clinical testing. Allele origin: germline. Inheritance: Autosomal dominant inheritance. Observed: 1 variant allele, 1 heterozygote.
Comment: This study involves interpretation of variants in research participants for the purpose of population health screening. Participant phenotype was not available at the time of variant classification. Additional details can be found in publication PMID: 35346344, PMCID: PMC8962531

Color Diagnostics, LLC DBA Color Health
Classification: Likely benign for Cardiomyopathy. Last evaluated: 2022-11-06. Review status: criteria provided, single submitter. Criteria: ACMG Guidelines, 2015. Collection method: clinical testing. Allele origin: germline.

Ambry Genetics
Classification: Likely benign for Cardiovascular phenotype. Last evaluated: 2021-03-30. Review status: criteria provided, single submitter. Criteria: Ambry Variant Classification Scheme 2023. Collection method: clinical testing. Allele origin: germline.

NM_000257.4(MYH7):c.423C>A (p.Ala141=)

Gene: MYH7 (myosin heavy chain 7; minus strand). Cytogenetic location: 14q11.2.
Variant type: single nucleotide variant.
Coding change: c.423C>A on transcript NM_000257.4 (MANE Select); coding-DNA position 423, C replaced by A.
Protein change: p.Ala141=; no amino-acid change (alanine 141 retained).
Molecular consequence: synonymous variant.
Genome position (GRCh38, 1-based): chr14:23,432,718, G>T on the plus strand (C>A on the coding strand, the complement: MYH7 is on the minus strand). VCF-style: chr14-23432718-G-T. GRCh37 (hg19) VCF-style: chr14-23901927-G-T.
Identifiers: ClinVar variation 1640532 (VCV001640532.8), dbSNP rs761969201, ClinGen allele CA041366.
Genomic context (GRCh38, chr14:23,432,718, plus strand): 5'-GGCGTTGTCGGAGATGGAGAAGATGTGGGGCGGGGCCTCGCTCCTCTTCTTGCCCCGGTA[G>T]GCAGCCACCACCTCAGGAGTGTACACCGGCAGCCACTTGTAAGGGTTGACGGTGACACAG-3'
Protein context (NP_000248.2, residues 131-151): LPVYTPEVVA[Ala141=]YRGKKRSEAP